The following is an entry in ClinVar:

ClinVar aggregate classification (germline): Uncertain significance (1 of 4 stars; one submission).

Conditions:
Cohen syndrome (COH1). Also called: PEPPER SYNDROME; Cutis verticis gyrata, retinitis pigmentosa, and sensorineural deafness. Identifiers: Orphanet 193, MedGen C0265223, MONDO:0008999, OMIM 216550.

gnomAD v4.1: 2 of 1,610,818 alleles (0.00012%); highest among the groups gnomAD compares: Non-Finnish European, 0.00017%; no homozygotes.

Submission:

Labcorp Genetics (formerly Invitae), Labcorp
Classification: Uncertain significance for Cohen syndrome. Last evaluated: 2025-09-25. Review status: criteria provided, single submitter. Criteria: Invitae Variant Classification Sherloc (09022015). Collection method: clinical testing. Allele origin: germline.
Comment: This sequence change replaces glycine, which is neutral and non-polar, with alanine, which is neutral and non-polar, at codon 3821 of the VPS13B protein (p.Gly3821Ala). This variant is present in population databases (rs756033256, gnomAD 0.0009%). This variant has not been reported in the literature in individuals affected with VPS13B-related conditions. Invitae Evidence Modeling of protein sequence and biophysical properties (such as structural, functional, and spatial information, amino acid conservation, physicochemical variation, residue mobility, and thermodynamic stability) indicates that this missense variant is expected to disrupt VPS13B protein function with a positive predictive value of 80%. In summary, the available evidence is currently insufficient to determine the role of this variant in disease. Therefore, it has been classified as a Variant of Uncertain Significance.

NM_152564.5(VPS13B):c.11387G>C (p.Gly3796Ala)

Gene: VPS13B (vacuolar protein sorting 13 homolog B; plus strand). Cytogenetic location: 8q22.2.
Variant type: single nucleotide variant.
Coding change: c.11387G>C on transcript NM_152564.5 (MANE Select); coding-DNA position 11387, G replaced by C.
Protein change: p.Gly3796Ala; replaces glycine 3796 with alanine.
Molecular consequence: missense variant.
Genome position (GRCh38, 1-based): chr8:99,868,460, G>C. VCF-style: chr8-99868460-G-C. GRCh37 (hg19) VCF-style: chr8-100880688-G-C.
Other names: c.11462G>C, p.Gly3821Ala (NM_017890.5); short protein forms G3821A, G3796A.
Identifiers: ClinVar variation 4738735 (VCV004738735.1).